The following is an entry in ClinVar:

ClinVar aggregate classification (germline): Pathogenic (1 of 4 stars; one submission).

Conditions:
Hereditary spastic paraplegia 11. Also called: Nakamura Osame syndrome; Autosomal recessive hereditary spastic paraplegia, mental impairment, and thin corpus callosum; SPASTIC PARAPLEGIA, AUTOSOMAL RECESSIVE, COMPLICATED, WITH THIN CORPUS CALLOSUM; SPASTIC PARAPLEGIA, AUTOSOMAL RECESSIVE, WITH MENTAL IMPAIRMENT AND THIN CORPUS CALLOSUM; Spastic Paraplegia 11; Spastic paraplegia, mental retardation and thin corpus callosum. Identifiers: Orphanet 2822, MedGen C1858479, MONDO:0011445, OMIM 604360.

Submission:

Labcorp Genetics (formerly Invitae), Labcorp
Classification: Pathogenic for Hereditary spastic paraplegia 11. Last evaluated: 2024-02-19. Review status: criteria provided, single submitter. Criteria: Invitae Variant Classification Sherloc (09022015). Collection method: clinical testing. Allele origin: germline.
Comment: This sequence change creates a premature translational stop signal (p.Glu5Lysfs*53) in the SPG11 gene. It is expected to result in an absent or disrupted protein product. Loss-of-function variants in SPG11 are known to be pathogenic (PMID: 19105190, 20110243, 22154821, 26556829). This variant is not present in population databases (gnomAD no frequency). This variant has not been reported in the literature in individuals affected with SPG11-related conditions. For these reasons, this variant has been classified as Pathogenic.

Literature cited by the submitters: PubMed 19105190; PubMed 20110243; PubMed 22154821; PubMed 26556829.

NM_025137.4(SPG11):c.13del (p.Glu5fs)

Gene: SPG11 (SPG11 vesicle trafficking associated, spatacsin; minus strand). Cytogenetic location: 15q21.1.
Variant type: Deletion.
Coding change: c.13del on transcript NM_025137.4 (MANE Select); coding-DNA position 13, one base deleted (G; older notation c.13delG).
Protein change: p.Glu5fs; shifts the reading frame from glutamic acid 5.
Molecular consequence: frameshift variant.
Genome position (GRCh38, 1-based): chr15:44,663,635, C deleted on the plus strand (G on the coding strand, the reverse complement: SPG11 is on the minus strand); the first of 2 consecutive C bases (chr15:44,663,635-44,663,636); deleting either gives the same sequence. VCF-style (leftmost placement, unchanged base first): chr15-44663634-TC-T. GRCh37 (hg19) VCF-style: chr15-44955832-TC-T.
Other names: c.13del, p.Glu5fs (NM_001160227.2, NM_001411132.1); short protein forms E5fs.
Identifiers: ClinVar variation 3641976 (VCV003641976.2).